The following is an entry in ClinVar:

ClinVar aggregate classification (germline): Likely pathogenic (1 of 4 stars; one submission).

Conditions:
Metaphyseal chondrodysplasia, McKusick type (CHH). Also called: Cartilage-hair hypoplasia; Cartilage-Hair Hypoplasia (CHH). Identifiers: Orphanet 175, MedGen C0220748, MONDO:0009595, OMIM 250250.

Submission:

Natera, Inc.
Classification: Likely pathogenic for Cartilage-hair hypoplasia. Last evaluated: 2025-05-18. Review status: criteria provided, single submitter. Criteria: Natera Variant Classification Schema (03/2026). Collection method: clinical testing. Allele origin: germline.
Comment: The n.-19_-18insTCACACTACT variant in RMRP is an insertion affecting the RMRP promoter region between the TATA box and the transcription initiation site. Other duplications and insertions just upstream of the transcription initiation site have been reported in individuals affected with cartilage-hair hypoplasia (PMID: 11207361, 17937437). This variant is rare in the general population with a frequency below the threshold expected for the associated phenotype(s). Given the available evidence, this variant is classified as Likely pathogenic.

Literature cited by the submitters: PubMed 11207361; PubMed 17937437.

NR_003051.3(RMRP):n.-19_-18insTCACACTACT

Gene: RMRP (RNA component of mitochondrial RNA processing endoribonuclease; minus strand). Cytogenetic location: 9p13.3.
Variant type: Microsatellite.
Genome position: GRCh38 VCF-style: chr9-35658036-G-GAGTAGTGTGA. GRCh37 (hg19) VCF-style: chr9-35658033-G-GAGTAGTGTGA.
Identifiers: ClinVar variation 4817176 (VCV004817176.1).